The following is an entry in ClinVar:

ClinVar aggregate classification (germline): Conflicting classifications of pathogenicity. Review status: criteria provided, conflicting classifications (1 of 4 stars). 6 submissions from 5 submitters: Uncertain significance (1); Benign (3); Likely benign (2). Last evaluated 2026-01-19.

Conditions:
Catecholaminergic polymorphic ventricular tachycardia 1. Also called: RYR2-Related Catecholaminergic Polymorphic Ventricular Tachycardia; VENTRICULAR TACHYCARDIA, CATECHOLAMINERGIC POLYMORPHIC, 1, WITH OR WITHOUT ATRIAL DYSFUNCTION AND/OR DILATED CARDIOMYOPATHY; VENTRICULAR TACHYCARDIA, STRESS-INDUCED POLYMORPHIC 1. Identifiers: Orphanet 3286, MedGen C1631597, MONDO:0011484, OMIM 604772.
Arrhythmogenic right ventricular dysplasia 2. Identifiers: MedGen C1832931.

Allele frequency attached by ClinVar (database versions not stated): TOPMed 0.00010; gnomAD exomes 0.00020 and 0.00040; gnomAD 0.00040 and 0.00042; ExAC 0.00047.
gnomAD v4.1: 351 of 1,604,614 alleles (0.022%); highest among the groups gnomAD compares: Non-Finnish European, 0.012%; no homozygotes.

Submissions (6):

Labcorp Genetics (formerly Invitae), Labcorp
Classification: Benign for Catecholaminergic polymorphic ventricular tachycardia 1. Last evaluated: 2026-01-19. Review status: criteria provided, single submitter. Criteria: Invitae Variant Classification Sherloc (09022015). Collection method: clinical testing. Allele origin: germline.

Women's Health and Genetics/Laboratory Corporation of America, LabCorp
Classification: Benign. Last evaluated: 2024-07-28. Review status: criteria provided, single submitter. Criteria: LabCorp Variant Classification Summary - May 2015. Collection method: clinical testing. Allele origin: germline.

Blueprint Genetics
Classification: Likely benign. Last evaluated: 2024-01-03. Review status: criteria provided, single submitter. Criteria: ACMG Guidelines, 2015. Collection method: clinical testing. Allele origin: germline.

Illumina Laboratory Services, Illumina
Classification: Uncertain significance for Catecholaminergic polymorphic ventricular tachycardia 1. Last evaluated: 2018-01-12. Review status: criteria provided, single submitter. Criteria: ICSL Variant Classification Criteria 13 December 2019. Collection method: clinical testing. Allele origin: germline.

Illumina Laboratory Services, Illumina
Classification: Likely benign for Catecholaminergic polymorphic ventricular tachycardia 1. Last evaluated: 2018-01-12. Review status: criteria provided, single submitter. Criteria: ICSL Variant Classification Criteria 13 December 2019. Collection method: clinical testing. Allele origin: germline.
Comment: This variant was observed in the ICSL laboratory as part of a predisposition screen in an ostensibly healthy population. It had not been previously curated by ICSL or reported in the Human Gene Mutation Database (HGMD: prior to June 1st, 2018), and was therefore a candidate for classification through an automated scoring system. Utilizing variant allele frequency, disease prevalence and penetrance estimates, and inheritance mode, an automated score was calculated to assess if this variant is too frequent to cause the disease. Based on the score and internal cut-off values, a variant classified as likely benign is not then subjected to further curation. The score for this variant resulted in a classification of likely benign for this disease.

GeneDx
Classification: Benign. Last evaluated: 2015-03-03. Review status: criteria provided, single submitter. Criteria: GeneDx Variant Classification Process June 2021. Collection method: clinical testing. Allele origin: germline. Affected: yes.

NM_001035.3(RYR2):c.463+14G>A

Gene: RYR2 (ryanodine receptor 2; plus strand). Cytogenetic location: 1q43.
Variant type: single nucleotide variant.
Coding change: c.463+14G>A on transcript NM_001035.3 (MANE Select); 14 bases into the intron after coding-DNA position 463, G replaced by A.
Molecular consequence: intron variant.
Genome position (GRCh38, 1-based): chr1:237,374,809, G>A. VCF-style: chr1-237374809-G-A. GRCh37 (hg19) VCF-style: chr1-237538109-G-A.
Identifiers: ClinVar variation 874068 (VCV000874068.16), dbSNP rs776302587, ClinGen allele CA086659.
Genomic context (GRCh38, chr1:237,374,809, plus strand): 5'-AACTGATAAGCTGGCTTTTGATGTTGGCTTGCAAGAGGACACCACAGGTAAGCATCTTGT[G>A]CTGCGGGAAGCCAGGTTCAGAGAGAACCCTGCAGGGGTTGGATTGGAAGAAGCCGGGAAA-3'